The following is an entry in ClinVar:

NM_001852.4(COL9A2):c.1793-239_1793-238del

Gene: COL9A2 (collagen type IX alpha 2 chain; minus strand). Cytogenetic location: 1p34.2.
Variant type: Microsatellite.
Coding change: c.1793-239_1793-238del on transcript NM_001852.4 (MANE Select); 239 bases into the intron before coding-DNA position 1793 through 238 bases into the intron before coding-DNA position 1793, 2 bases deleted (CA; older notation c.1793-239_1793-238delCA).
Molecular consequence: intron variant.
Genome position (GRCh38, 1-based): chr1:40,302,127-40,302,128, TG deleted on the plus strand (CA on the coding strand, the reverse complement: COL9A2 is on the minus strand); deleting any 2 consecutive bases within chr1:40,302,127-40,302,131 gives the same sequence; the c. name uses the placement nearest the transcript's 3' end. VCF-style (leftmost placement, unchanged base first): chr1-40302126-CTG-C. GRCh37 (hg19) VCF-style: chr1-40767798-CTG-C.
Identifiers: ClinVar variation 677894 (VCV000677894.1), dbSNP rs10555215, ClinGen allele CA21041133.
Genomic context (GRCh38, chr1:40,302,126, plus strand): 5'-AGATTATGTAACCAATAAAGTTTATTACAGGAAAGCAAGCATAACAATATCTAGCATTTA[CTG>C]TGTCTCAGTGAACTAAGACAAACTCTATGTAAACTACTCTAAGGATAGTCCTCACTGCCA-3'

ClinVar aggregate classification (germline): Benign (1 of 4 stars; one submission).

Submission:

GeneDx
Classification: Benign. Last evaluated: 2018-06-16. Review status: criteria provided, single submitter. Criteria: GeneDx Variant Classification (06012015). Collection method: clinical testing. Allele origin: germline. Affected: yes.
Comment: This variant is considered likely benign or benign based on one or more of the following criteria: it is a conservative change, it occurs at a poorly conserved position in the protein, it is predicted to be benign by multiple in silico algorithms, and/or has population frequency not consistent with disease.